The following is an entry in ClinVar:

NM_199420.4(POLQ):c.5347C>G (p.His1783Asp)

Gene: POLQ (DNA polymerase theta; minus strand). Cytogenetic location: 3q13.33.
Variant type: single nucleotide variant.
Coding change: c.5347C>G on transcript NM_199420.4 (MANE Select); coding-DNA position 5347, C replaced by G.
Protein change: p.His1783Asp; replaces histidine 1783 with aspartic acid.
Molecular consequence: missense variant.
Genome position (GRCh38, 1-based): chr3:121,487,584, G>C on the plus strand (C>G on the coding strand, the complement: POLQ is on the minus strand). VCF-style: chr3-121487584-G-C. GRCh37 (hg19) VCF-style: chr3-121206431-G-C.
Other names: short protein forms H1783D.
Identifiers: ClinVar variation 3230052 (VCV003230052.1), dbSNP rs1576413720, ClinGen allele CA354090472.

ClinVar aggregate classification (germline): Uncertain significance (1 of 4 stars; one submission).

Submission:

Ambry Genetics
Classification: Uncertain significance. Last evaluated: 2023-12-14. Review status: criteria provided, single submitter. Criteria: Ambry Variant Classification Scheme 2023. Collection method: clinical testing. Allele origin: germline.
Comment: The p.H1783D variant (also known as c.5347C>G), located in coding exon 16 of the POLQ gene, results from a C to G substitution at nucleotide position 5347. The histidine at codon 1783 is replaced by aspartic acid, an amino acid with similar properties. This amino acid position is conserved. In addition, this alteration is predicted to be tolerated by in silico analysis. Since supporting evidence is limited at this time, the clinical significance of this alteration remains unclear.